The following is an entry in ClinVar:

ClinVar aggregate classification (germline): Likely pathogenic (1 of 4 stars; one submission).

Conditions:
Fanconi anemia complementation group E (FANCE). Also called: FANCE-Related Fanconi Anemia. Identifiers: Orphanet 84, MedGen C3160739, MONDO:0010953, OMIM 600901.

Submission:

Labcorp Genetics (formerly Invitae), Labcorp
Classification: Likely pathogenic for Fanconi anemia complementation group E. Last evaluated: 2020-09-23. Review status: criteria provided, single submitter. Criteria: Invitae Variant Classification Sherloc (09022015). Collection method: clinical testing. Allele origin: germline.
Comment: This variant results in the deletion of part of exon 2 (c.304_855+155delinsGGACTCCCAGGGAG) of the FANCE gene. It is expected to disrupt RNA splicing and likely results in an absent or disrupted protein product. This variant has not been reported in the literature in individuals with FANCE-related conditions. Loss-of-function variants in FANCE are known to be pathogenic (PMID: 11001585, 17924555). In summary, the currently available evidence indicates that the variant is pathogenic, but additional data are needed to prove that conclusively. Therefore, this variant has been classified as Likely Pathogenic.

Literature cited by the submitters: PubMed 11001585; PubMed 17924555.

NC_000006.11:g.(?_35423579)_35424285del

Gene: FANCE (FA complementation group E; plus strand).
Variant type: Deletion.
Identifiers: ClinVar variation 1067460 (VCV001067460.2).